The following is an entry in ClinVar:

NM_001005273.3(CHD3):c.5897C>G (p.Pro1966Arg)

Gene: CHD3 (chromodomain helicase DNA binding protein 3; plus strand). Cytogenetic location: 17p13.1.
Variant type: single nucleotide variant.
Coding change: c.5897C>G on transcript NM_001005273.3 (MANE Select); coding-DNA position 5897, C replaced by G.
Protein change: p.Pro1966Arg; replaces proline 1966 with arginine.
Molecular consequence: missense variant.
Genome position (GRCh38, 1-based): chr17:7,911,479, C>G. VCF-style: chr17-7911479-C-G. GRCh37 (hg19) VCF-style: chr17-7814797-C-G.
Other names: c.6074C>G, p.Pro2025Arg (NM_001005271.3); c.5795C>G, p.Pro1932Arg (NM_005852.4); short protein forms P1932R, P1966R, P2025R.
Identifiers: ClinVar variation 3774302 (VCV003774302.2).
Genomic context (GRCh38, chr17:7,911,479, plus strand): 5'-AGAGTGATCTGGAGATTGATCTTTCCTTACCCCTTTCCCAAACAGCCGCCACCAACGGCC[C>G]TCCAGTGCTTGTGAAGAAGGAGAAGGAAATGGTGGGGGCATTGGTGTCAGACGGGCTGGA-3'
Protein context (NP_001005273.1, residues 1956-1976): GSFITAATNG[Pro1966Arg]PVLVKKEKEM

ClinVar aggregate classification (germline): Uncertain significance (1 of 4 stars; one submission).

Submission:

GeneDx
Classification: Uncertain significance. Last evaluated: 2026-03-05. Review status: criteria provided, single submitter. Criteria: GeneDx Variant Classification Process June 2021. Collection method: clinical testing. Allele origin: germline.
Comment: Not observed at significant frequency in large population cohorts (gnomAD); In silico analysis supports that this missense variant has a deleterious effect on protein structure/function; Has not been previously published as pathogenic or benign to our knowledge